The following is an entry in ClinVar:

ClinVar aggregate classification (germline): Uncertain significance (1 of 4 stars; one submission).

Allele frequency attached by ClinVar (database versions not stated): ExAC 0.00001; TOPMed 0.00002; gnomAD exomes 0.00003.

Submission:

Labcorp Genetics (formerly Invitae), Labcorp
Classification: Uncertain significance. Last evaluated: 2023-04-12. Review status: criteria provided, single submitter. Criteria: Invitae Variant Classification Sherloc (09022015). Collection method: clinical testing. Allele origin: germline.
Comment: This sequence change affects the initiator methionine of the OAS1 mRNA. The next in-frame methionine is located at codon 2. This variant is present in population databases (rs746226406, gnomAD 0.0009%). This variant has not been reported in the literature in individuals affected with OAS1-related conditions. ClinVar contains an entry for this variant (Variation ID: 1911349). Experimental studies and prediction algorithms are not available or were not evaluated, and the functional significance of this variant is currently unknown. In summary, the available evidence is currently insufficient to determine the role of this variant in disease. Therefore, it has been classified as a Variant of Uncertain Significance.

NM_016816.4(OAS1):c.1A>G (p.Met1Val)

Genes: OAS1 (2'-5'-oligoadenylate synthetase 1; plus strand), LOC130008812 (ATAC-STARR-seq lymphoblastoid active region 7052; plus strand). Cytogenetic location: 12q24.13.
Variant type: single nucleotide variant.
Coding change: c.1A>G on transcript NM_016816.4 (MANE Select); coding-DNA position 1, A replaced by G.
Protein change: p.Met1Val; changes the start codon (methionine 1).
Molecular consequence: missense variant, initiator codon variant.
Genome position (GRCh38, 1-based): chr12:112,907,040, A>G. VCF-style: chr12-112907040-A-G. GRCh37 (hg19) VCF-style: chr12-113344845-A-G.
Other names: c.1A>G, p.Met1Val (NM_001032409.3, NM_001320151.2, NM_001406020.1 and 11 more transcripts); short protein forms M1V.
Identifiers: ClinVar variation 1911349 (VCV001911349.6), dbSNP rs746226406, ClinGen allele CA6799660.